The following is an entry in ClinVar:

NM_031407.7(HUWE1):c.12532-3T>C

Gene: HUWE1 (HECT, UBA and WWE domain containing E3 ubiquitin protein ligase 1; minus strand). Cytogenetic location: Xp11.22.
Variant type: single nucleotide variant.
Coding change: c.12532-3T>C on transcript NM_031407.7 (MANE Select); 3 bases into the intron before coding-DNA position 12532, T replaced by C.
Molecular consequence: intron variant.
Genome position (GRCh38, 1-based): chrX:53,535,504, A>G on the plus strand (T>C on the coding strand, the complement: HUWE1 is on the minus strand). VCF-style: chrX-53535504-A-G. GRCh37 (hg19) VCF-style: chrX-53562465-A-G.
Identifiers: ClinVar variation 3026720 (VCV003026720.22), dbSNP rs2521862467, ClinGen allele CA2693810594.

ClinVar aggregate classification (germline): Uncertain significance (1 of 4 stars; one submission).

Submission:

CeGaT Center for Human Genetics Tuebingen
Classification: Uncertain significance. Last evaluated: 2023-12-01. Review status: criteria provided, single submitter. Criteria: CeGaT Center For Human Genetics Tuebingen Variant Classification Criteria Version 2. Collection method: clinical testing. Allele origin: germline. Affected: yes. Observed: 1 variant allele.
Comment: HUWE1: PM2, BP4